The following is an entry in ClinVar:

NM_053025.4(MYLK):c.343C>T (p.Arg115Cys)

Gene: MYLK (myosin light chain kinase; minus strand). Cytogenetic location: 3q21.1.
Variant type: single nucleotide variant.
Coding change: c.343C>T on transcript NM_053025.4 (MANE Select); coding-DNA position 343, C replaced by T.
Protein change: p.Arg115Cys; replaces arginine 115 with cysteine.
Molecular consequence: missense variant. On other transcripts: intron variant (1).
Genome position (GRCh38, 1-based): chr3:123,752,361, G>A on the plus strand (C>T on the coding strand, the complement: MYLK is on the minus strand). VCF-style: chr3-123752361-G-A. GRCh37 (hg19) VCF-style: chr3-123471208-G-A.
Other names: c.343C>T, p.Arg115Cys (NM_053026.4, NM_053027.4, NM_053028.4); c.-155-12360C>T (NM_001321309.2); short protein forms R115C.
Identifiers: ClinVar variation 1005560 (VCV001005560.10), dbSNP rs146921745, ClinGen allele CA069922.

ClinVar aggregate classification (germline): Uncertain significance. Review status: criteria provided, multiple submitters, no conflicts (2 of 4 stars). 3 submissions from 3 submitters: Uncertain significance (3). Last evaluated 2026-01-04.

Conditions:
Familial thoracic aortic aneurysm and aortic dissection (TAAD). Also called: Thoracic aortic aneurysms and dissections. Identifiers: Orphanet 91387, MedGen C4707243, MONDO:0019625.
Aortic aneurysm, familial thoracic 7 (AAT7). Also called: AORTIC DISSECTION, FAMILIAL, WITH OR WITHOUT AORTIC ANEURYSM. Identifiers: MedGen C3151077, MONDO:0013418, OMIM 613780.

Allele frequency attached by ClinVar (database versions not stated): gnomAD exomes below 0.00001 and 0.00001; ESP Exome Variant Server 0.00008; gnomAD 0.00003; ExAC 0.00001; TOPMed 0.00002.
gnomAD v4.1: 7 of 1,613,946 alleles (0.00043%); highest among the groups gnomAD compares: African/African-American, 0.0013%; no homozygotes.

Submissions (3):

GeneDx
Classification: Uncertain significance. Last evaluated: 2026-01-04. Review status: criteria provided, single submitter. Criteria: GeneDx Variant Classification Process June 2021. Collection method: clinical testing. Allele origin: germline.
Comment: Has not been previously published as pathogenic or benign to our knowledge; Not observed at significant frequency in large population cohorts (gnomAD); In silico analysis suggests that this missense variant does not alter protein structure/function

Ambry Genetics
Classification: Uncertain significance for Familial thoracic aortic aneurysm and aortic dissection. Last evaluated: 2025-06-17. Review status: criteria provided, single submitter. Criteria: Ambry Variant Classification Scheme 2023. Collection method: clinical testing. Allele origin: germline.
Comment: The p.R115C variant (also known as c.343C>T), located in coding exon 2 of the MYLK gene, results from a C to T substitution at nucleotide position 343. The arginine at codon 115 is replaced by cysteine, an amino acid with highly dissimilar properties. This amino acid position is conserved. In addition, this alteration is predicted to be tolerated by in silico analysis. Since supporting evidence is limited at this time, the clinical significance of this alteration remains unclear.

Labcorp Genetics (formerly Invitae), Labcorp
Classification: Uncertain significance for Aortic aneurysm, familial thoracic 7. Last evaluated: 2021-09-01. Review status: criteria provided, single submitter. Criteria: Invitae Variant Classification Sherloc (09022015). Collection method: clinical testing. Allele origin: germline.
Comment: This sequence change replaces arginine with cysteine at codon 115 of the MYLK protein (p.Arg115Cys). The arginine residue is highly conserved and there is a large physicochemical difference between arginine and cysteine. This variant is present in population databases (rs146921745, ExAC 0.01%). This variant has not been reported in the literature in individuals affected with MYLK-related conditions. Advanced modeling of protein sequence and biophysical properties (such as structural, functional, and spatial information, amino acid conservation, physicochemical variation, residue mobility, and thermodynamic stability) performed at Invitae indicates that this missense variant is not expected to disrupt MYLK protein function. In summary, the available evidence is currently insufficient to determine the role of this variant in disease. Therefore, it has been classified as a Variant of Uncertain Significance.